The following is an entry in ClinVar:

NM_001386393.1(PANK2):c.425T>A (p.Leu142Gln)

Gene: PANK2 (pantothenate kinase 2; plus strand). Cytogenetic location: 20p13.
Variant type: single nucleotide variant.
Coding change: c.425T>A on transcript NM_001386393.1 (MANE Select); coding-DNA position 425, T replaced by A.
Protein change: p.Leu142Gln; replaces leucine 142 with glutamine.
Molecular consequence: missense variant. On other transcripts: 5 prime UTR variant (4), non-coding transcript variant (1).
Genome position (GRCh38, 1-based): chr20:3,908,052, T>A. VCF-style: chr20-3908052-T-A. GRCh37 (hg19) VCF-style: chr20-3888699-T-A.
Other names: c.-119T>A (NM_001324191.2, NM_024960.6, NM_153640.4); c.755T>A, p.Leu252Gln (NM_001324192.1, NM_153638.4); c.-411T>A (NM_001324193.2); short protein forms L142Q, L252Q.
Identifiers: ClinVar variation 1998202 (VCV001998202.4), dbSNP rs2146859529, ClinGen allele CA408112423.

ClinVar aggregate classification (germline): Uncertain significance (1 of 4 stars; one submission).

Conditions:
Pigmentary pallidal degeneration (NBIA1). Also called: Neurodegeneration with brain iron accumulation 1; Pantothenate Kinase-Associated Neurodegeneration; Neuroaxonal dystrophy, late infantile; Hallervorden-Spatz disease; HARP SYNDROME; PKAN NEUROAXONAL DYSTROPHY, JUVENILE-ONSET. Identifiers: Orphanet 157850, MedGen C0018523, MONDO:0009319, OMIM 234200.

Submission:

Labcorp Genetics (formerly Invitae), Labcorp
Classification: Uncertain significance for Pigmentary pallidal degeneration. Last evaluated: 2024-10-15. Review status: criteria provided, single submitter. Criteria: Invitae Variant Classification Sherloc (09022015). Collection method: clinical testing. Allele origin: germline.
Comment: This sequence change replaces leucine, which is neutral and non-polar, with glutamine, which is neutral and polar, at codon 252 of the PANK2 protein (p.Leu252Gln). This variant is not present in population databases (gnomAD no frequency). This variant has not been reported in the literature in individuals affected with PANK2-related conditions. ClinVar contains an entry for this variant (Variation ID: 1998202). Invitae Evidence Modeling of protein sequence and biophysical properties (such as structural, functional, and spatial information, amino acid conservation, physicochemical variation, residue mobility, and thermodynamic stability) indicates that this missense variant is expected to disrupt PANK2 protein function with a positive predictive value of 95%. In summary, the available evidence is currently insufficient to determine the role of this variant in disease. Therefore, it has been classified as a Variant of Uncertain Significance.